The following is an entry in ClinVar:

ClinVar aggregate classification (germline): Likely benign. Review status: criteria provided, multiple submitters, no conflicts (2 of 4 stars). 3 submissions from 3 submitters: Likely benign (2). 1 of the submissions does not count toward it. Last evaluated 2026-01-14.

Conditions:
IKBKB-related disorder. Also called: IKBKB-related condition.
Severe combined immunodeficiency due to IKK2 deficiency. Also called: Immunodeficiency 15; IMMUNODEFICIENCY 15B. Identifiers: Orphanet 397787, MedGen C4747743, MONDO:0014267, OMIM 615592.

Allele frequency attached by ClinVar (database versions not stated): ESP Exome Variant Server 0.00008; gnomAD exomes 0.00008 and 0.00009; gnomAD 0.00010 and 0.00013; TOPMed 0.00010; ExAC 0.00012; 1000 Genomes Project 30x 0.00062; 1000 Genomes Project 0.00080.
gnomAD v4.1: 130 of 1,614,182 alleles (0.0081%); highest among the groups gnomAD compares: Non-Finnish European, 0.01%; no homozygotes.

Submissions (3):

Labcorp Genetics (formerly Invitae), Labcorp
Classification: Likely benign for Severe combined immunodeficiency due to IKK2 deficiency. Last evaluated: 2026-01-14. Review status: criteria provided, single submitter. Criteria: Invitae Variant Classification Sherloc (09022015). Collection method: clinical testing. Allele origin: germline.

Blueprint Genetics
Classification: Likely benign. Last evaluated: 2024-10-23. Review status: criteria provided, single submitter. Criteria: ACMG Guidelines, 2015. Collection method: clinical testing. Allele origin: germline.

PreventionGenetics, part of Exact Sciences
Classification: Likely benign for IKBKB-related condition. Last evaluated: 2024-01-08. Review status: no assertion criteria provided. Collection method: clinical testing. Allele origin: germline. Not counted in ClinVar's aggregate classification.
Comment: This variant is classified as likely benign based on ACMG/AMP sequence variant interpretation guidelines (Richards et al. 2015 PMID: 25741868, with internal and published modifications).

NM_001556.3(IKBKB):c.1446G>A (p.Lys482=)

Gene: IKBKB (inhibitor of nuclear factor kappa B kinase subunit beta; plus strand). Cytogenetic location: 8p11.21.
Variant type: single nucleotide variant.
Coding change: c.1446G>A on transcript NM_001556.3 (MANE Select); coding-DNA position 1446, G replaced by A.
Protein change: p.Lys482=; no amino-acid change (lysine 482 retained).
Molecular consequence: synonymous variant. On other transcripts: non-coding transcript variant (3).
Genome position (GRCh38, 1-based): chr8:42,319,351, G>A. VCF-style: chr8-42319351-G-A. GRCh37 (hg19) VCF-style: chr8-42176869-G-A.
Other names: c.1254G>A, p.Lys418= (NM_001190720.3); c.1269G>A, p.Lys423= (NM_001242778.2).
Identifiers: ClinVar variation 744250 (VCV000744250.13), dbSNP rs201250998, ClinGen allele CA4732002.